The following is an entry in ClinVar:

NM_052947.4(ALPK2):c.1190C>T (p.Thr397Ile)

Genes: ALPK2 (alpha kinase 2; minus strand), LOC114803473 (ALPK2 eExon liver enhancer; plus strand). Cytogenetic location: 18q21.31.
Variant type: single nucleotide variant.
Coding change: c.1190C>T on transcript NM_052947.4 (MANE Select); coding-DNA position 1190, C replaced by T.
Protein change: p.Thr397Ile; replaces threonine 397 with isoleucine.
Molecular consequence: missense variant.
Genome position (GRCh38, 1-based): chr18:58,579,586, G>A on the plus strand (C>T on the coding strand, the complement: ALPK2 is on the minus strand). VCF-style: chr18-58579586-G-A. GRCh37 (hg19) VCF-style: chr18-56246818-G-A.
Other names: short protein forms T397I.
Identifiers: ClinVar variation 3056045 (VCV003056045.2), dbSNP rs79863383, ClinGen allele CA8977302.

ClinVar aggregate classification (germline): Benign (0 of 4 stars; one submission).

Conditions:
ALPK2-related disorder. Also called: ALPK2-related condition.

Allele frequency attached by ClinVar (database versions not stated): TOPMed 0.01747; gnomAD 0.01880; ESP Exome Variant Server 0.01991; 1000 Genomes Project 0.02037; 1000 Genomes Project 30x 0.02108; ExAC 0.02253; gnomAD exomes 0.02739.
gnomAD v4.1: 42,834 of 1,613,596 alleles (2.7%); highest among the groups gnomAD compares: South Asian, 3.2%; 690 homozygotes.

Submission:

PreventionGenetics, part of Exact Sciences
Classification: Benign for ALPK2-related condition. Last evaluated: 2019-07-08. Review status: no assertion criteria provided. Collection method: clinical testing. Allele origin: germline.
Comment: This variant is classified as benign based on ACMG/AMP sequence variant interpretation guidelines (Richards et al. 2015 PMID: 25741868, with internal and published modifications).